The following is an entry in ClinVar:

ClinVar aggregate classification (germline): Benign/Likely benign. Review status: criteria provided, multiple submitters, no conflicts (2 of 4 stars). 11 submissions from 11 submitters: Benign (8); Likely benign (1). 2 of the submissions do not count toward it. Last evaluated 2026-09-21.

Conditions:
Cardiac arrhythmia, ankyrin-B-related. Also called: ANKYRIN-B SYNDROME. Identifiers: Orphanet 101016, Orphanet 768, MedGen C1970119, MONDO:0010958, OMIM 600919.
Cardiovascular phenotype. Identifiers: MedGen CN230736.
Long QT syndrome (LQTS). Identifiers: MedGen C0023976, MeSH D008133, MONDO:0002442. Disease mechanism: loss of function. Inheritance: Various modes of inheritance.

Allele frequency attached by ClinVar (database versions not stated): gnomAD exomes 0.00047 and 0.00140; gnomAD 0.00608 and 0.00569; TOPMed 0.00622; 1000 Genomes Project 30x 0.00703; ESP Exome Variant Server 0.00561; 1000 Genomes Project 0.00699; ExAC 0.00168.
gnomAD v4.1: 1,591 of 1,614,194 alleles (0.099%); highest among the groups gnomAD compares: African/African-American, 1.9%; 13 homozygotes.

Submissions (11):

Molecular Diagnostic Laboratory for Inherited Cardiovascular Disease, Montreal Heart Institute
Classification: Benign. Last evaluated: 2026-09-21. Review status: criteria provided, single submitter. Criteria: ACMG Guidelines, 2015. Collection method: clinical testing. Allele origin: germline. Affected: no.
Comment: BS1;BP7

Labcorp Genetics (formerly Invitae), Labcorp
Classification: Benign for Long QT syndrome. Last evaluated: 2026-02-02. Review status: criteria provided, single submitter. Criteria: Invitae Variant Classification Sherloc (09022015). Collection method: clinical testing. Allele origin: germline.

Blueprint Genetics
Classification: Likely benign. Last evaluated: 2024-09-25. Review status: criteria provided, single submitter. Criteria: ACMG Guidelines, 2015. Collection method: clinical testing. Allele origin: germline.

Genome-Nilou Lab
Classification: Benign for Cardiac arrhythmia, ankyrin-B-related. Last evaluated: 2021-12-05. Review status: criteria provided, single submitter. Criteria: ACMG Guidelines, 2015. Collection method: clinical testing. Allele origin: germline. Affected: no.

Women's Health and Genetics/Laboratory Corporation of America, LabCorp
Classification: Benign. Last evaluated: 2018-02-05. Review status: criteria provided, single submitter. Criteria: LabCorp Variant Classification Summary - May 2015. Collection method: clinical testing. Allele origin: germline.
Comment: Variant summary: ANK2 c.1245A>G alters a conserved nucleotide resulting in a synonymous change located in the Ankyrin repeat-containing domain (IPR020683) of the encoded protein sequence. One computational tool predicts the variant creates cryptic exonic 3' acceptor site. However, these predictions have yet to be confirmed by functional studies. The variant allele was found at a frequency of 0.0018 in 276932 control chromosomes in the gnomAD database, including 4 homozygotes. The observed variant frequency is approximately 184.16 fold of the estimated maximal expected allele frequency for a pathogenic variant in ANK2 causing Arrhythmia phenotype (1e-05), strongly suggesting that the variant is benign. To our knowledge, no occurrence of c.1245A>G in individuals affected with Arrhythmia and no experimental evidence demonstrating its impact on protein function have been reported. Three clinical diagnostic laboratories have submitted clinical-significance assessments for this variant to ClinVar after 2014 without evidence for independent evaluation. All laboratories classified the variant as benign/likely benign. Based on the evidence outlined above, the variant was classified as benign.

Illumina Laboratory Services, Illumina
Classification: Benign for Cardiac arrhythmia, ankyrin-B-related. Last evaluated: 2018-01-13. Review status: criteria provided, single submitter. Criteria: ICSL Variant Classification Criteria 13 December 2019. Collection method: clinical testing. Allele origin: germline.
Comment: This variant was observed in the ICSL laboratory as part of a predisposition screen in an ostensibly healthy population. It had not been previously curated by ICSL or reported in the Human Gene Mutation Database (HGMD: prior to June 1st, 2018), and was therefore a candidate for classification through an automated scoring system. Utilizing variant allele frequency, disease prevalence and penetrance estimates, and inheritance mode, an automated score was calculated to assess if this variant is too frequent to cause the disease. Based on the score and internal cut-off values, a variant classified as benign is not then subjected to further curation. The score for this variant resulted in a classification of benign for this disease.

Ambry Genetics
Classification: Benign for Cardiovascular phenotype. Last evaluated: 2015-09-28. Review status: criteria provided, single submitter. Criteria: Ambry Variant Classification Scheme 2023. Collection method: clinical testing. Allele origin: germline.

GeneDx
Classification: Benign. Last evaluated: 2015-03-03. Review status: criteria provided, single submitter. Criteria: GeneDx Variant Classification Process June 2021. Collection method: clinical testing. Allele origin: germline. Affected: yes.

Breakthrough Genomics
Classification: Benign. Review status: criteria provided, single submitter. Criteria: ACMG Guidelines, 2015. Collection method: not provided. Allele origin: germline. Inheritance: Autosomal dominant inheritance. Affected: yes.

Clinical Genetics, Academic Medical Center
Classification: Benign. Review status: no assertion criteria provided. Collection method: clinical testing. Allele origin: germline. Affected: yes. Study: VKGL Data-share Consensus. Not counted in ClinVar's aggregate classification.

Joint Genome Diagnostic Labs from Nijmegen and Maastricht, Radboudumc and MUMC+
Classification: Benign. Review status: no assertion criteria provided. Collection method: clinical testing. Allele origin: germline. Affected: yes. Study: VKGL Data-share Consensus. Not counted in ClinVar's aggregate classification.

NM_001148.6(ANK2):c.1245A>G (p.Glu415=)

Gene: ANK2 (ankyrin 2; plus strand). Cytogenetic location: 4q26.
Variant type: single nucleotide variant.
Coding change: c.1245A>G on transcript NM_001148.6 (MANE Select); coding-DNA position 1245, A replaced by G.
Protein change: p.Glu415=; no amino-acid change (glutamic acid 415 retained).
Molecular consequence: synonymous variant. On other transcripts: intron variant (5).
Genome position (GRCh38, 1-based): chr4:113,258,106, A>G. VCF-style: chr4-113258106-A-G. GRCh37 (hg19) VCF-style: chr4-114179262-A-G.
Other names: c.1245A>G (NM_001148.5); c.1182A>G, p.Glu394= (NM_001127493.3, NM_001354239.2, NM_001354243.2 and 14 more transcripts); c.1245A>G, p.Glu415= (NM_001354225.2, NM_001354228.2, NM_001354232.2 and 8 more transcripts); c.1290A>G, p.Glu430= (NM_001354230.2, NM_001354231.2, NM_001354237.2 and 5 more transcripts); c.1158A>G, p.Glu386= (NM_001354249.2, NM_001354260.2, NM_001354264.2 and 13 more transcripts); c.1203A>G, p.Glu401= (NM_001354261.2, NM_001386147.1, NM_001386160.1); c.1233A>G, p.Glu411= (NM_001386148.2, NM_001386186.2); c.1296A>G, p.Glu432= (NM_001386174.1); and 5 more.
Identifiers: ClinVar variation 238569 (VCV000238569.28), dbSNP rs34145832, ClinGen allele CA3050228.